The following is an entry in ClinVar:

NM_022051.3(EGLN1):c.263C>T (p.Ala88Val)

Gene: EGLN1 (egl-9 family hypoxia inducible factor 1; minus strand). Cytogenetic location: 1q42.2.
Variant type: single nucleotide variant.
Coding change: c.263C>T on transcript NM_022051.3 (MANE Select); coding-DNA position 263, C replaced by T.
Protein change: p.Ala88Val; replaces alanine 88 with valine.
Molecular consequence: missense variant.
Genome position (GRCh38, 1-based): chr1:231,421,626, G>A on the plus strand (C>T on the coding strand, the complement: EGLN1 is on the minus strand). VCF-style: chr1-231421626-G-A. GRCh37 (hg19) VCF-style: chr1-231557372-G-A.
Other names: c.263C>T, p.Ala88Val (NM_001377260.1, NM_001377261.1); short protein forms A88V.
Identifiers: ClinVar variation 3773936 (VCV003773936.1).
Genomic context (GRCh38, chr1:231,421,626, plus strand): 5'-GCCGCGTCCCCGGAGGCGTTGTCCCGGCGCGCCGCTGCCTTCCTGGGCTCCCGGGCCCCG[G>A]CCCTGGGCGGCGGCACTGCAGCCGGCGGCGCGGGGCCGGAATGCTGGTGTGGGCCCACTC-3'
Protein context (NP_071334.1, residues 78-98): APPAAVPPPR[Ala88Val]GAREPRKAAA

ClinVar aggregate classification (germline): Uncertain significance (1 of 4 stars; one submission).

Submission:

GeneDx
Classification: Uncertain significance. Last evaluated: 2024-09-23. Review status: criteria provided, single submitter. Criteria: GeneDx Variant Classification Process June 2021. Collection method: clinical testing. Allele origin: germline. Affected: yes.
Comment: Not observed at significant frequency in large population cohorts (gnomAD); In silico analysis indicates that this missense variant does not alter protein structure/function; Has not been previously published as pathogenic or benign to our knowledge